The following is an entry in ClinVar:

NM_000543.5(SMPD1):c.1022G>C (p.Arg341Pro)

Gene: SMPD1 (sphingomyelin phosphodiesterase 1; plus strand). Cytogenetic location: 11p15.4.
Variant type: single nucleotide variant.
Coding change: c.1022G>C on transcript NM_000543.5 (MANE Select); coding-DNA position 1022, G replaced by C.
Protein change: p.Arg341Pro; replaces arginine 341 with proline.
Molecular consequence: missense variant. On other transcripts: non-coding transcript variant (1).
Genome position (GRCh38, 1-based): chr11:6,392,087, G>C. VCF-style: chr11-6392087-G-C. GRCh37 (hg19) VCF-style: chr11-6413317-G-C.
Other names: c.1019G>C, p.Arg340Pro (NM_001007593.3); c.1022G>C, p.Arg341Pro (NM_001318087.2, NM_001365135.2); c.61G>C, p.Ala21Pro (NM_001318088.2); short protein forms A21P, R340P, R341P.
Identifiers: ClinVar variation 3758385 (VCV003758385.2).
Genomic context (GRCh38, chr11:6,392,087, plus strand): 5'-ATGAAAGCACACCTGTCAATAGCTTCCCTCCCCCCTTCATTGAGGGCAACCACTCCTCCC[G>C]CTGGCTCTATGAAGCGATGGCCAAGGCTTGGGAGCCCTGGCTGCCTGCCGAAGCCCTGCG-3'
Protein context (NP_000534.3, residues 331-351): PPFIEGNHSS[Arg341Pro]WLYEAMAKAW

ClinVar aggregate classification (germline): Uncertain significance. Review status: criteria provided, multiple submitters, no conflicts (2 of 4 stars). 2 submissions from 2 submitters: Uncertain significance (2). Last evaluated 2025-08-07.

Conditions:
Acid sphingomyelinase deficiency. Identifiers: Orphanet 618899, MedGen C5243927, MONDO:0100464.
Niemann-Pick disease, type B. Also called: Chronic Visceral ASMD (Niemann-Pick Disease Type B; NPD-B). Identifiers: Orphanet 77293, MedGen C0268243, MONDO:0011871, OMIM 607616. Disease mechanism: loss of function.
Niemann-Pick disease, type A. Also called: Infantile Neurovisceral ASMD (Niemann-Pick Disease Type A; NPD-A); SPHINGOMYELIN LIPIDOSIS; SPHINGOMYELINASE DEFICIENCY. Identifiers: Orphanet 77292, MedGen C0268242, MONDO:0009756, OMIM 257200. Disease mechanism: loss of function.

gnomAD v4.1: 14 of 1,613,944 alleles (0.00087%); highest among the groups gnomAD compares: Admixed American, 0.0033%; no homozygotes.

Submissions (2):

Myriad Genetics, Inc.
Classification: Uncertain significance for Acid sphingomyelinase deficiency. Last evaluated: 2025-08-07. Review status: criteria provided, single submitter. Criteria: Myriad Autosomal Dominant, Autosomal Recessive and X-Linked Classification Criteria (2023). Collection method: clinical testing. Allele origin: unknown.
Comment: NM_000543.4(SMPD1):c.1022G>C(R341P) is a missense variant classified as a variant of uncertain significance in the context of Niemann-Pick disease, SMPD1-related. R341P has been observed in a case with relevant disease (PMID: 39177062). Relevant functional assessments of this variant are not available in the literature. R341P has been observed in referenced population frequency databases. In summary, there is insufficient evidence to classify NM_000543.4(SMPD1):c.1022G>C(R341P) as pathogenic or benign. Please note: this variant was assessed in the context of healthy population screening.

Labcorp Genetics (formerly Invitae), Labcorp
Classification: Uncertain significance for Niemann-Pick disease, type B; Niemann-Pick disease, type A. Last evaluated: 2024-12-19. Review status: criteria provided, single submitter. Criteria: Invitae Variant Classification Sherloc (09022015). Collection method: clinical testing. Allele origin: germline.
Comment: This sequence change replaces arginine, which is basic and polar, with proline, which is neutral and non-polar, at codon 341 of the SMPD1 protein (p.Arg341Pro). This variant is present in population databases (rs200242334, gnomAD 0.006%). This variant has not been reported in the literature in individuals affected with SMPD1-related conditions. Invitae Evidence Modeling of protein sequence and biophysical properties (such as structural, functional, and spatial information, amino acid conservation, physicochemical variation, residue mobility, and thermodynamic stability) has been performed for this missense variant. However, the output from this modeling did not meet the statistical confidence thresholds required to predict the impact of this variant on SMPD1 protein function. In summary, the available evidence is currently insufficient to determine the role of this variant in disease. Therefore, it has been classified as a Variant of Uncertain Significance.

Literature cited by the submitters: PubMed 39177062 (cited by Myriad Genetics, Inc.).